The following is an entry in ClinVar:

ClinVar aggregate classification (germline): Uncertain significance. Review status: criteria provided, multiple submitters, no conflicts (2 of 4 stars). 2 submissions from 2 submitters: Uncertain significance (2). Last evaluated 2025-07-15.

Conditions:
Inborn genetic diseases. Identifiers: MedGen C0950123, MeSH D030342.

Allele frequency attached by ClinVar (database versions not stated): gnomAD 0.00001; TOPMed 0.00001; gnomAD exomes 0.00002.
gnomAD v4.1: 28 of 1,613,968 alleles (0.0017%); highest among the groups gnomAD compares: Non-Finnish European, 0.0024%; no homozygotes.

Submissions (2):

Ambry Genetics
Classification: Uncertain significance for Inborn genetic diseases. Last evaluated: 2025-07-15. Review status: criteria provided, single submitter. Criteria: Ambry Variant Classification Scheme 2023. Collection method: clinical testing. Allele origin: germline.

Labcorp Genetics (formerly Invitae), Labcorp
Classification: Uncertain significance. Last evaluated: 2022-11-04. Review status: criteria provided, single submitter. Criteria: Invitae Variant Classification Sherloc (09022015). Collection method: clinical testing. Allele origin: germline.
Comment: This variant is present in population databases (rs753058630, gnomAD 0.003%). This variant has not been reported in the literature in individuals affected with PHF21A-related conditions. This sequence change replaces serine, which is neutral and polar, with cysteine, which is neutral and slightly polar, at codon 277 of the PHF21A protein (p.Ser277Cys). Advanced modeling of protein sequence and biophysical properties (such as structural, functional, and spatial information, amino acid conservation, physicochemical variation, residue mobility, and thermodynamic stability) performed at Invitae indicates that this missense variant is not expected to disrupt PHF21A protein function. In summary, the available evidence is currently insufficient to determine the role of this variant in disease. Therefore, it has been classified as a Variant of Uncertain Significance.

NM_001352027.3(PHF21A):c.833C>G (p.Ser278Cys)

Gene: PHF21A (PHD finger protein 21A; minus strand). Cytogenetic location: 11p11.2.
Variant type: single nucleotide variant.
Coding change: c.833C>G on transcript NM_001352027.3 (MANE Select); coding-DNA position 833, C replaced by G.
Protein change: p.Ser278Cys; replaces serine 278 with cysteine.
Molecular consequence: missense variant. On other transcripts: non-coding transcript variant (2).
Genome position (GRCh38, 1-based): chr11:45,965,478, G>C on the plus strand (C>G on the coding strand, the complement: PHF21A is on the minus strand). VCF-style: chr11-45965478-G-C. GRCh37 (hg19) VCF-style: chr11-45987029-G-C.
Other names: c.830C>G (NM_001101802.1); c.833C>G, p.Ser278Cys (NM_001352025.3, NM_001352026.3, NM_001352028.1 and 2 more transcripts); c.830C>G, p.Ser277Cys (NM_001352030.3, NM_001352031.3, NM_001352032.3 and 1 more transcripts); short protein forms S278C, S277C.
Identifiers: ClinVar variation 2971012 (VCV002971012.4), dbSNP rs753058630, ClinGen allele CA221576741.